The following is an entry in ClinVar:

NM_000051.4(ATM):c.4638G>A (p.Val1546=)

Gene: ATM (ATM serine/threonine kinase; plus strand). Cytogenetic location: 11q22.3.
Variant type: single nucleotide variant.
Coding change: c.4638G>A on transcript NM_000051.4 (MANE Select); coding-DNA position 4638, G replaced by A.
Protein change: p.Val1546=; no amino-acid change (valine 1546 retained).
Molecular consequence: synonymous variant.
Genome position (GRCh38, 1-based): chr11:108,293,339, G>A. VCF-style: chr11-108293339-G-A. GRCh37 (hg19) VCF-style: chr11-108164066-G-A.
Other names: c.4638G>A, p.Val1546= (NM_001351834.2).
Identifiers: ClinVar variation 3254055 (VCV003254055.1), dbSNP rs2135810356.

ClinVar aggregate classification (germline): Benign (1 of 4 stars; one submission).

Conditions:
Familial cancer of breast. Also called: BREAST CANCER, FAMILIAL; Hereditary breast cancer; hereditary breast carcinoma. Identifiers: Orphanet 227535, MedGen C0346153, MONDO:0016419, OMIM 114480. Disease mechanism: loss of function.

Submission:

Myriad Genetics, Inc.
Classification: Benign for Familial cancer of breast. Last evaluated: 2024-05-20. Review status: criteria provided, single submitter. Criteria: Myriad Autosomal Dominant, Autosomal Recessive and X-Linked Classification Criteria (2023). Collection method: clinical testing. Allele origin: unknown.
Comment: This variant is considered benign. This variant is a silent/synonymous amino acid change and it is not expected to impact splicing.